The following is an entry in ClinVar:

ClinVar aggregate classification (germline): Likely benign. Review status: criteria provided, single submitter (1 of 4 stars). 2 submissions from 2 submitters: Likely benign (1). 1 of the submissions does not count toward it. Last evaluated 2026-01-12.

Conditions:
KIF2A-related disorder. Also called: KIF2A-related condition.

Allele frequency attached by ClinVar (database versions not stated): gnomAD exomes 0.00005; ExAC 0.00012; gnomAD 0.00017; TOPMed 0.00023; 1000 Genomes Project 30x 0.00031; ESP Exome Variant Server 0.00038; 1000 Genomes Project 0.00040.
gnomAD v4.1: 58 of 1,596,450 alleles (0.0036%); highest among the groups gnomAD compares: African/African-American, 0.054%; no homozygotes.

Submissions (2):

Labcorp Genetics (formerly Invitae), Labcorp
Classification: Likely benign. Last evaluated: 2026-01-12. Review status: criteria provided, single submitter. Criteria: Invitae Variant Classification Sherloc (09022015). Collection method: clinical testing. Allele origin: germline.

PreventionGenetics, part of Exact Sciences
Classification: Likely benign for KIF2A-related condition. Last evaluated: 2024-01-05. Review status: no assertion criteria provided. Collection method: clinical testing. Allele origin: germline. Not counted in ClinVar's aggregate classification.
Comment: This variant is classified as likely benign based on ACMG/AMP sequence variant interpretation guidelines (Richards et al. 2015 PMID: 25741868, with internal and published modifications).

NM_001098511.3(KIF2A):c.1120-4A>G

Gene: KIF2A (kinesin family member 2A; plus strand). Cytogenetic location: 5q12.1.
Variant type: single nucleotide variant.
Coding change: c.1120-4A>G on transcript NM_001098511.3 (MANE Select); 4 bases into the intron before coding-DNA position 1120, A replaced by G.
Molecular consequence: intron variant.
Genome position (GRCh38, 1-based): chr5:62,363,174, A>G. VCF-style: chr5-62363174-A-G. GRCh37 (hg19) VCF-style: chr5-61659001-A-G.
Other names: c.1120-4A>G (NM_001098511.2, NM_004520.5); c.1039-4A>G (NM_001243952.2); c.1063-4A>G (NM_001243953.2).
Identifiers: ClinVar variation 1622126 (VCV001622126.10), dbSNP rs112470989, ClinGen allele CA3278935.
Genomic context (GRCh38, chr5:62,363,174, plus strand): 5'-CATTGCACCTAGCCTGTTTTTTACTTTAAAGCTAGTTTTCTAATTTGAATATGGTTTTTC[A>G]TAGGTGTTTGACTTGCTAAACAGGAAAACAAAATTAAGAGTTCTAGAAGATGGAAAACAG-3'